The following is an entry in ClinVar:

NM_001042492.3(NF1):c.3311T>C (p.Leu1104Pro)

Gene: NF1 (neurofibromin 1; plus strand). Cytogenetic location: 17q11.2.
Variant type: single nucleotide variant.
Coding change: c.3311T>C on transcript NM_001042492.3 (MANE Select); coding-DNA position 3311, T replaced by C.
Protein change: p.Leu1104Pro; replaces leucine 1104 with proline.
Molecular consequence: missense variant.
Genome position (GRCh38, 1-based): chr17:31,232,186, T>C. VCF-style: chr17-31232186-T-C. GRCh37 (hg19) VCF-style: chr17-29559204-T-C.
Other names: c.3311T>C, p.Leu1104Pro (NM_000267.4); short protein forms L1104P.
Identifiers: ClinVar variation 1475040 (VCV001475040.6), dbSNP rs2151433910, ClinGen allele CA398988937.
Genomic context (GRCh38, chr17:31,232,186, plus strand): 5'-CTCTGCAGCCTGAAGAAGGAGATGGTGTGGAATTGATGGAAGCCAAATCACAGTTATTTC[T>C]TAAGTAAATTTCAGTCACCAAAAAACATAAAGCAAAAAGCAAATAAAGCCCCCCACCACA-3'
Protein context (NP_001035957.1, residues 1094-1114): ELMEAKSQLF[Leu1104Pro]KYFTLFMNLL

ClinVar aggregate classification (germline): Uncertain significance (1 of 4 stars; one submission).

Conditions:
Neurofibromatosis, type 1 (NF1). Also called: Neurofibromatosis, type I; VON RECKLINGHAUSEN DISEASE; NEUROFIBROMATOSIS, TYPE I, SOMATIC; Peripheral type neurofibromatosis. Identifiers: Orphanet 636, MedGen C0027831, MONDO:0018975, OMIM 162200. Disease mechanism: loss of function.

Submission:

Labcorp Genetics (formerly Invitae), Labcorp
Classification: Uncertain significance for Neurofibromatosis, type 1. Last evaluated: 2022-05-30. Review status: criteria provided, single submitter. Criteria: Invitae Variant Classification Sherloc (09022015). Collection method: clinical testing. Allele origin: germline.
Comment: Advanced modeling of protein sequence and biophysical properties (such as structural, functional, and spatial information, amino acid conservation, physicochemical variation, residue mobility, and thermodynamic stability) performed at Invitae indicates that this missense variant is expected to disrupt NF1 protein function. In summary, the available evidence is currently insufficient to determine the role of this variant in disease. Therefore, it has been classified as a Variant of Uncertain Significance. ClinVar contains an entry for this variant (Variation ID: 1475040). This sequence change replaces leucine, which is neutral and non-polar, with proline, which is neutral and non-polar, at codon 1104 of the NF1 protein (p.Leu1104Pro). This variant is not present in population databases (gnomAD no frequency). This variant has not been reported in the literature in individuals affected with NF1-related conditions.